The following is an entry in ClinVar:

ClinVar aggregate classification (germline): Likely pathogenic (1 of 4 stars; one submission).

Submission:

GeneDx
Classification: Likely pathogenic. Last evaluated: 2016-09-20. Review status: criteria provided, single submitter. Criteria: GeneDx Variant Classification (06012015). Collection method: clinical testing. Allele origin: germline. Affected: yes.
Comment: The c.6666_6672delCTTTGAGins11 variant in the ARID1A gene has not been reported previously as a pathogenic variant nor as a benign variant, to our knowledge. The c.6666_6672delCTTTGAGins11 variant causes a frameshift starting with codon Phenylalanine 2223, changes this amino acid to a Histidine residue, and creates a premature Stop codon at position 6 of the new reading frame, denoted p.Phe2223HisfsX6. This variant is predicted to cause loss of normal protein function through protein truncation. The c.6666_6672delCTTTGAGins11 variant was not observed in approximately 6,500 individuals of European and African American ancestry in the NHLBI Exome Sequencing Project, indicating it is not a common benign variant in these populations. The c.6666_6672delCTTTGAGins11 variant is a strong candidate for a pathogenic variant.

NM_006015.6(ARID1A):c.6666_6672delinsACATGCAGAAC (p.Phe2223fs)

Gene: ARID1A (AT-rich interaction domain 1A; plus strand). Cytogenetic location: 1p36.11.
Variant type: Indel.
Coding change: c.6666_6672delinsACATGCAGAAC on transcript NM_006015.6 (MANE Select); coding-DNA positions 6666 to 6672, CTTTGAG replaced by ACATGCAGAAC.
Protein change: p.Phe2223fs; shifts the reading frame from phenylalanine 2223.
Molecular consequence: frameshift variant.
Genome position (GRCh38, 1-based): chr1:26,780,564-26,780,570, CTTTGAG replaced by ACATGCAGAAC. VCF-style: chr1-26780564-CTTTGAG-ACATGCAGAAC. GRCh37 (hg19) VCF-style: chr1-27107055-CTTTGAG-ACATGCAGAAC.
Other names: c.6666_6672delCTTTGAGinsACATGCAGAAC (LRG_875t1); c.6015_6021delinsACATGCAGAAC, p.Phe2006fs (NM_139135.4); short protein forms F2006fs, F2223fs.
Identifiers: ClinVar variation 422284 (VCV000422284.2), dbSNP rs1064795682, ClinGen allele CA16617135.
Genomic context (GRCh38, chr1:26,780,564, plus strand): 5'-CCTTGCCGCCACACAGTTCCAGCAGAGCCAGGCCAGCCTCCTCCACATGCAGAACCCACC[CTTTGAG>ACATGCAGAAC]CCAACTAGTGTGGACATGATGCGGCGGGCTGCCCGCGCGCTGCTTGCCTTGGCCAAGGTG-3'